The following is an entry in ClinVar:

NM_002662.5(PLD1):c.1352C>T (p.Pro451Leu)

Gene: PLD1 (phospholipase D1; minus strand). Cytogenetic location: 3q26.31.
Variant type: single nucleotide variant.
Coding change: c.1352C>T on transcript NM_002662.5 (MANE Select); coding-DNA position 1352, C replaced by T.
Protein change: p.Pro451Leu; replaces proline 451 with leucine.
Molecular consequence: missense variant.
Genome position (GRCh38, 1-based): chr3:171,688,863, G>A on the plus strand (C>T on the coding strand, the complement: PLD1 is on the minus strand). VCF-style: chr3-171688863-G-A. GRCh37 (hg19) VCF-style: chr3-171406653-G-A.
Other names: c.1352C>T, p.Pro451Leu (NM_001130081.3); short protein forms P451L.
Identifiers: ClinVar variation 1702537 (VCV001702537.2), dbSNP rs141086000, ClinGen allele CA2704636.

ClinVar aggregate classification (germline): Uncertain significance (1 of 4 stars; one submission).

Allele frequency attached by ClinVar (database versions not stated): ExAC 0.00003; gnomAD exomes 0.00003; gnomAD 0.00007 and 0.00008; TOPMed 0.00008; ESP Exome Variant Server 0.00015.
gnomAD v4.1: 210 of 1,612,786 alleles (0.013%); highest among the groups gnomAD compares: Non-Finnish European, 0.017%; no homozygotes.

Submission:

GeneDx
Classification: Uncertain significance. Last evaluated: 2022-02-18. Review status: criteria provided, single submitter. Criteria: GeneDx Variant Classification Process June 2021. Collection method: clinical testing. Allele origin: germline. Affected: yes.
Comment: In silico analysis supports that this missense variant has a deleterious effect on protein structure/function; Has not been previously published as pathogenic or benign to our knowledge